The following is an entry in ClinVar:

ClinVar aggregate classification (germline): Uncertain significance (1 of 4 stars; one submission).

Conditions:
Inborn genetic diseases. Identifiers: MedGen C0950123, MeSH D030342.

Submission:

Ambry Genetics
Classification: Uncertain significance for Inborn genetic diseases. Last evaluated: 2025-09-22. Review status: criteria provided, single submitter. Criteria: Ambry Variant Classification Scheme 2023. Collection method: clinical testing. Allele origin: germline.
Comment: The p.G481C variant (also known as c.1441G>T), located in coding exon 13 of the ANKRD26 gene, results from a G to T substitution at nucleotide position 1441. The glycine at codon 481 is replaced by cysteine, an amino acid with highly dissimilar properties. This amino acid position is conserved. In addition, this alteration is predicted to be tolerated by in silico analysis. Based on the available evidence, the clinical significance of this variant remains unclear.

NM_014915.3(ANKRD26):c.1441G>T (p.Gly481Cys)

Gene: ANKRD26 (ankyrin repeat domain 26; minus strand). Cytogenetic location: 10p12.1.
Variant type: single nucleotide variant.
Coding change: c.1441G>T on transcript NM_014915.3 (MANE Select); coding-DNA position 1441, G replaced by T.
Protein change: p.Gly481Cys; replaces glycine 481 with cysteine.
Molecular consequence: missense variant.
Genome position (GRCh38, 1-based): chr10:27,061,165, C>A on the plus strand (G>T on the coding strand, the complement: ANKRD26 is on the minus strand). VCF-style: chr10-27061165-C-A. GRCh37 (hg19) VCF-style: chr10-27350094-C-A.
Other names: c.1441G>T, p.Gly481Cys (NM_001256053.2); short protein forms G481C.
Identifiers: ClinVar variation 4578889 (VCV004578889.1).